The following is an entry in ClinVar:

ClinVar aggregate classification (germline): Uncertain significance (1 of 4 stars; one submission).

Conditions:
Cholestanol storage disease (CTX). Also called: CTX: Cerebrotendinous xanthomatosis; Cerebrotendinous Xanthomatosis; CEREBRAL CHOLESTERINOSIS. Identifiers: Orphanet 909, MedGen C0238052, MONDO:0008948, OMIM 213700.

Allele frequency attached by ClinVar (database versions not stated): ExAC 0.00001; gnomAD exomes 0.00001.
gnomAD v4.1: 3 of 1,614,226 alleles (0.00019%); highest among the groups gnomAD compares: East Asian, 0.0067%; no homozygotes.

Submission:

Labcorp Genetics (formerly Invitae), Labcorp
Classification: Uncertain significance for Cholestanol storage disease. Last evaluated: 2022-07-10. Review status: criteria provided, single submitter. Criteria: Invitae Variant Classification Sherloc (09022015). Collection method: clinical testing. Allele origin: germline.
Comment: This sequence change replaces serine, which is neutral and polar, with isoleucine, which is neutral and non-polar, at codon 443 of the CYP27A1 protein (p.Ser443Ile). This variant is present in population databases (rs777141854, gnomAD 0.006%). This variant has not been reported in the literature in individuals affected with CYP27A1-related conditions. Advanced modeling of protein sequence and biophysical properties (such as structural, functional, and spatial information, amino acid conservation, physicochemical variation, residue mobility, and thermodynamic stability) performed at Invitae indicates that this missense variant is not expected to disrupt CYP27A1 protein function. In summary, the available evidence is currently insufficient to determine the role of this variant in disease. Therefore, it has been classified as a Variant of Uncertain Significance.

NM_000784.4(CYP27A1):c.1328G>T (p.Ser443Ile)

Gene: CYP27A1 (cytochrome P450 family 27 subfamily A member 1; plus strand). Cytogenetic location: 2q35.
Variant type: single nucleotide variant.
Coding change: c.1328G>T on transcript NM_000784.4 (MANE Select); coding-DNA position 1328, G replaced by T.
Protein change: p.Ser443Ile; replaces serine 443 with isoleucine.
Molecular consequence: missense variant.
Genome position (GRCh38, 1-based): chr2:218,814,609, G>T. VCF-style: chr2-218814609-G-T. GRCh37 (hg19) VCF-style: chr2-219679332-G-T.
Other names: short protein forms S443I.
Identifiers: ClinVar variation 2015824 (VCV002015824.1), dbSNP rs777141854, ClinGen allele CA2112874.